The following is an entry in ClinVar:

ClinVar aggregate classification (germline): Uncertain significance (1 of 4 stars; one submission).

Conditions:
Cardiovascular phenotype. Identifiers: MedGen CN230736.

gnomAD v4.1: 1 of 1,613,794 alleles (0.000062%); highest among the groups gnomAD compares: Non-Finnish European, 0.000085%; no homozygotes.

Submission:

Ambry Genetics
Classification: Uncertain significance for Cardiovascular phenotype. Last evaluated: 2026-02-15. Review status: criteria provided, single submitter. Criteria: Ambry Variant Classification Scheme 2023. Collection method: clinical testing. Allele origin: germline.
Comment: The p.D1333E variant (also known as c.3999C>G), located in coding exon 31 of the RYR2 gene, results from a C to G substitution at nucleotide position 3999. The aspartic acid at codon 1333 is replaced by glutamic acid, an amino acid with highly similar properties. This amino acid position is conserved. In addition, this alteration is predicted to be tolerated by in silico analysis. Based on the available evidence, the clinical significance of this variant remains unclear.

NM_001035.3(RYR2):c.3999C>G (p.Asp1333Glu)

Genes: RYR2 (ryanodine receptor 2; plus strand), LOC126806067 (BRD4-independent group 4 enhancer GRCh37_chr1:237753258-237754457; plus strand). Cytogenetic location: 1q43.
Variant type: single nucleotide variant.
Coding change: c.3999C>G on transcript NM_001035.3 (MANE Select); coding-DNA position 3999, C replaced by G.
Protein change: p.Asp1333Glu; replaces aspartic acid 1333 with glutamic acid.
Molecular consequence: missense variant.
Genome position (GRCh38, 1-based): chr1:237,590,831, C>G. VCF-style: chr1-237590831-C-G. GRCh37 (hg19) VCF-style: chr1-237754131-C-G.
Other names: short protein forms D1333E.
Identifiers: ClinVar variation 4825549 (VCV004825549.1).